The following is an entry in ClinVar:

ClinVar aggregate classification (germline): Conflicting classifications of pathogenicity. Review status: criteria provided, conflicting classifications (1 of 4 stars). 6 submissions from 6 submitters: Likely pathogenic (2); Uncertain significance (3). 1 of the submissions does not count toward it. Last evaluated 2026-04-02.

Conditions:
LARS2-related disorder. Also called: LARS2-related condition.
Perrault syndrome 4 (PRLTS4). Identifiers: Orphanet 2855, MedGen C3809105, MONDO:0014126, OMIM 615300.
Hydrops-lactic acidosis-sideroblastic anemia-multisystemic failure syndrome. Also called: Hydrops, lactic acidosis, and sideroblastic anemia. Identifiers: Orphanet 528091, MedGen C4310761, MONDO:0014869, OMIM 617021.

Allele frequency attached by ClinVar (database versions not stated): gnomAD exomes 0.00001 and 0.00002; ExAC 0.00002; gnomAD 0.00002 and 0.00003; TOPMed 0.00005; ESP Exome Variant Server 0.00008.
gnomAD v4.1: 17 of 1,585,148 alleles (0.0011%); highest among the groups gnomAD compares: Admixed American, 0.015%; no homozygotes.

Submissions (6):

Dasa
Classification: Uncertain significance. Last evaluated: 2026-04-02. Review status: criteria provided, single submitter. Criteria: DASA Assertion Criteria. Collection method: clinical testing. Allele origin: germline.
Comment: NM_015340.4(LARS2):c.1237G>A (p.Glu413Lys) is a missense variant that results in the substitution of glutamic acid with lysine. This variant has been reported in individuals with LARS2-related disorders (PMID: 32399598). Also, this variant is rare in population databases. The currently available literature and clinical evidence are not sufficient to establish a definitive association between this variant and the reported condition. Therefore, this variant is classified as a variant of uncertain significance.

Labcorp Genetics (formerly Invitae), Labcorp
Classification: Likely pathogenic. Last evaluated: 2025-12-23. Review status: criteria provided, single submitter. Criteria: Invitae Variant Classification Sherloc (09022015). Collection method: clinical testing. Allele origin: germline.
Comment: This sequence change replaces glutamic acid, which is acidic and polar, with lysine, which is basic and polar, at codon 413 of the LARS2 protein (p.Glu413Lys). This variant is present in population databases (rs376296747, gnomAD 0.01%). This missense change has been observed in individual(s) with clinical features of Perrault syndrome (PMID: 32399598; internal data). In at least one individual the data is consistent with being in trans (on the opposite chromosome) from a pathogenic variant. ClinVar contains an entry for this variant (Variation ID: 869196). An algorithm developed to predict the effect of missense changes on protein structure and function (PolyPhen-2) suggests that this variant is likely to be tolerated. In summary, the currently available evidence indicates that the variant is pathogenic, but additional data are needed to prove that conclusively. Therefore, this variant has been classified as Likely Pathogenic.

GeneDx
Classification: Likely pathogenic. Last evaluated: 2025-11-13. Review status: criteria provided, single submitter. Criteria: GeneDx Variant Classification Process June 2021. Collection method: clinical testing. Allele origin: germline.
Comment: Not observed at significant frequency in large population cohorts (gnomAD); In silico analysis suggests that this missense variant does not alter protein structure/function; This variant is associated with the following publications: (PMID: 32399598)

PreventionGenetics, part of Exact Sciences
Classification: Uncertain significance for LARS2-related condition. Last evaluated: 2025-08-18. Review status: criteria provided, single submitter. Criteria: ACMG Guidelines, 2015. Collection method: clinical testing. Allele origin: germline.
Comment: The LARS2 c.1237G>A variant is predicted to result in the amino acid substitution p.Glu413Lys. This variant was reported along with a second potentially causative variant in an individual with Perrault syndrome (Tucker et al. 2020. PubMed ID: 32399598). At PreventionGenetics this variant has been detected in the homozygous state in two likely related individuals undergoing genetic testing for hearing loss (internal data). This variant is assessed as uncertain and likely pathogenic in ClinVar. This variant is reported in 0.011% of alleles in individuals of Latino descent in gnomAD. While we suspect this variant may be pathogenic, at this time the clinical significance of this variant is uncertain due to the absence of conclusive functional and genetic evidence.

Fulgent Genetics
Classification: Uncertain significance for Perrault syndrome 4; Hydrops-lactic acidosis-sideroblastic anemia-multisystemic failure syndrome. Last evaluated: 2021-07-14. Review status: criteria provided, single submitter. Criteria: ACMG Guidelines, 2015. Collection method: clinical testing. Allele origin: unknown.

Reproductive Development, Murdoch Childrens Research Institute
Classification: Likely pathogenic for Perrault syndrome 4. Last evaluated: 2019-10-21. Review status: no assertion criteria provided. Criteria: ACMG Guidelines, 2015. Collection method: research. Allele origin: maternal. Affected: yes. Not counted in ClinVar's aggregate classification.

Literature cited by the submitters: PubMed 32399598 (cited by Dasa and Labcorp Genetics (formerly Invitae), Labcorp).

NM_015340.4(LARS2):c.1237G>A (p.Glu413Lys)

Genes: LARS2 (leucyl-tRNA synthetase 2, mitochondrial; plus strand), LARS2-AS1 (LARS2 antisense RNA 1; minus strand). Cytogenetic location: 3p21.31.
Variant type: single nucleotide variant.
Coding change: c.1237G>A on transcript NM_015340.4 (MANE Select); coding-DNA position 1237, G replaced by A.
Protein change: p.Glu413Lys; replaces glutamic acid 413 with lysine.
Molecular consequence: missense variant.
Genome position (GRCh38, 1-based): chr3:45,488,810, G>A. VCF-style: chr3-45488810-G-A. GRCh37 (hg19) VCF-style: chr3-45530302-G-A.
Other names: c.1237G>A, p.Glu413Lys (NM_001368263.1); short protein forms E413K.
Identifiers: ClinVar variation 869196 (VCV000869196.11), dbSNP rs376296747, ClinGen allele CA2349543.